The following is an entry in ClinVar:

ClinVar aggregate classification (germline): Likely benign. Review status: criteria provided, multiple submitters, no conflicts (2 of 4 stars). 3 submissions from 3 submitters: Likely benign (2). 1 of the submissions does not count toward it. Last evaluated 2025-12-30.

Conditions:
Cardiovascular phenotype. Identifiers: MedGen CN230736.
AKAP9-related disorder. Also called: AKAP9-related condition.
Long QT syndrome (LQTS). Identifiers: MedGen C0023976, MeSH D008133, MONDO:0002442. Disease mechanism: loss of function. Inheritance: Various modes of inheritance.

Allele frequency attached by ClinVar (database versions not stated): gnomAD exomes 0.00003 and 0.00009; ExAC 0.00008; gnomAD 0.00008; TOPMed 0.00009.
gnomAD v4.1: 59 of 1,613,416 alleles (0.0037%); highest among the groups gnomAD compares: Admixed American, 0.037%; no homozygotes.

Submissions (4):

Labcorp Genetics (formerly Invitae), Labcorp
Classification: Likely benign for Long QT syndrome. Last evaluated: 2025-12-30. Review status: criteria provided, single submitter. Criteria: Invitae Variant Classification Sherloc (09022015). Collection method: clinical testing. Allele origin: germline.

Ambry Genetics
Classification: Likely benign for Cardiovascular phenotype. Last evaluated: 2020-02-14. Review status: criteria provided, single submitter. Criteria: Ambry Variant Classification Scheme 2023. Collection method: clinical testing. Allele origin: germline.

PreventionGenetics, part of Exact Sciences
Classification: Likely benign for AKAP9-related condition. Last evaluated: 2022-10-20. Review status: no assertion criteria provided. Collection method: clinical testing. Allele origin: germline. Not counted in ClinVar's aggregate classification.
Comment: This variant is classified as likely benign based on ACMG/AMP sequence variant interpretation guidelines (Richards et al. 2015 PMID: 25741868, with internal and published modifications).

Dr. Peter K. Rogan Lab, Western University
No classification provided (evidence only). Condition: Ovarian serous cystadenocarcinoma. Review status: no classification provided. Collection method: in vitro. Allele origin: not applicable. Functional consequence: retained intron. Not counted in ClinVar's aggregate classification.

NM_005751.5(AKAP9):c.645A>G (p.Gln215=)

Gene: AKAP9 (A-kinase anchoring protein 9; plus strand). Cytogenetic location: 7q21.2.
Variant type: single nucleotide variant.
Coding change: c.645A>G on transcript NM_005751.5 (MANE Select); coding-DNA position 645, A replaced by G.
Protein change: p.Gln215=; no amino-acid change (glutamine 215 retained).
Molecular consequence: synonymous variant.
Genome position (GRCh38, 1-based): chr7:91,994,689, A>G. VCF-style: chr7-91994689-A-G. GRCh37 (hg19) VCF-style: chr7-91624003-A-G.
Other names: c.645A>G, p.Gln215= (NM_147185.3).
Identifiers: ClinVar variation 240257 (VCV000240257.14), dbSNP rs767167128, ClinGen allele CA4335875.
Genomic context (GRCh38, chr7:91,994,689, plus strand): 5'-ATTTGAAGCTGCCATTAAACAAAGAGATGGCATTATAACCCAGCTCACTGCTAATTTACA[A>G]CAAGCAAGAAGAGAAAAGGATGAGACAATGAGAGAATTTTTAGAGTTGACAGAACAGAGT-3'
Protein context (NP_005742.4, residues 205-225): GIITQLTANL[Gln215=]QARREKDETM